The following is an entry in ClinVar:

ClinVar aggregate classification (germline): Pathogenic. Review status: criteria provided, single submitter (1 of 4 stars). 4 submissions from 4 submitters: Pathogenic (1). 3 of the submissions do not count toward it. Last evaluated 2025-10-21.

Conditions:
Autoimmune lymphoproliferative syndrome type 1. Also called: AUTOIMMUNE LYMPHOPROLIFERATIVE SYNDROME, TYPE I, AUTOSOMAL DOMINANT. Identifiers: Orphanet 3261, MedGen C2717884, MONDO:0011158, OMIM 601859.
FAS-related autoimmune lymphoproliferative syndrome. Also called: AUTOIMMUNE LYMPHOPROLIFERATIVE SYNDROME, TYPE IA, AUTOSOMAL RECESSIVE; AUTOIMMUNE LYMPHOPROLIFERATIVE SYNDROME, TYPE IA. Identifiers: MedGen C1866119, MONDO:1060194.

Submissions (4):

Labcorp Genetics (formerly Invitae), Labcorp
Classification: Pathogenic for Autoimmune lymphoproliferative syndrome. Last evaluated: 2025-10-21. Review status: criteria provided, single submitter. Criteria: Invitae Variant Classification Sherloc (09022015). Collection method: clinical testing. Allele origin: germline.
Comment: This sequence change replaces arginine, which is basic and polar, with proline, which is neutral and non-polar, at codon 250 of the FAS protein (p.Arg250Pro). This variant is not present in population databases (gnomAD no frequency). This variant has been observed in individual(s) with autoimmue lymphoproliferative syndrome (PMID: 10090885). It has also been observed to segregate with disease in related individuals. This variant is also known as c.943G>C (p.R234P). ClinVar contains an entry for this variant (Variation ID: 16505). Invitae Evidence Modeling of protein sequence and biophysical properties (such as structural, functional, and spatial information, amino acid conservation, physicochemical variation, residue mobility, and thermodynamic stability) indicates that this missense variant is expected to disrupt FAS protein function with a positive predictive value of 95%. Experimental studies have shown that this missense change affects FAS function (PMID: 9927496, 10090885, 21490157). This variant disrupts the p.Arg250 amino acid residue in FAS. Other variant(s) that disrupt this residue have been determined to be pathogenic (PMID: 10090885, 18948840, 21490157). This suggests that this residue is clinically significant, and that variants that disrupt this residue are likely to be disease-causing. For these reasons, this variant has been classified as Pathogenic.

OMIM
Classification: Pathogenic for AUTOIMMUNE LYMPHOPROLIFERATIVE SYNDROME, TYPE IA. Last evaluated: 1999-02-01. Review status: no assertion criteria provided. Collection method: literature only. Allele origin: germline. Not counted in ClinVar's aggregate classification.

Genome Diagnostics Laboratory, University Medical Center Utrecht
Classification: Pathogenic. Review status: no assertion criteria provided. Collection method: clinical testing. Allele origin: germline. Affected: yes. Study: VKGL Data-share Consensus. Not counted in ClinVar's aggregate classification.

Joint Genome Diagnostic Labs from Nijmegen and Maastricht, Radboudumc and MUMC+
Classification: Pathogenic. Review status: no assertion criteria provided. Collection method: clinical testing. Allele origin: germline. Affected: yes. Study: VKGL Data-share Consensus. Not counted in ClinVar's aggregate classification.

Literature cited by the submitters: PubMed 10090885 (cited by Labcorp Genetics (formerly Invitae), Labcorp); PubMed 9927496 (cited by Labcorp Genetics (formerly Invitae), Labcorp and OMIM); PubMed 21490157 (cited by Labcorp Genetics (formerly Invitae), Labcorp); PubMed 18948840 (cited by Labcorp Genetics (formerly Invitae), Labcorp); PubMed 4852259 (cited by OMIM).

NM_000043.6(FAS):c.749G>C (p.Arg250Pro)

Gene: FAS (Fas cell surface death receptor; plus strand). Cytogenetic location: 10q23.31.
Variant type: single nucleotide variant.
Coding change: c.749G>C on transcript NM_000043.6 (MANE Select); coding-DNA position 749, G replaced by C.
Protein change: p.Arg250Pro; replaces arginine 250 with proline.
Molecular consequence: missense variant. On other transcripts: 3 prime UTR variant (2), non-coding transcript variant (7).
Genome position (GRCh38, 1-based): chr10:89,014,191, G>C. VCF-style: chr10-89014191-G-C. GRCh37 (hg19) VCF-style: chr10-90773948-G-C.
Other names: R234P; c.*72G>C (NM_001320619.2); c.686G>C, p.Arg229Pro (NM_152871.4); c.*61G>C (NM_152872.4); short protein forms R229P, R250P.
Identifiers: ClinVar variation 16505 (VCV000016505.11), dbSNP rs121913080, ClinGen allele CA126583.